The following is an entry in ClinVar:

NM_001308210.2(TSHZ1):c.1941G>A (p.Thr647=)

Gene: TSHZ1 (teashirt zinc finger homeobox 1; plus strand). Cytogenetic location: 18q22.3.
Variant type: single nucleotide variant.
Coding change: c.1941G>A on transcript NM_001308210.2 (MANE Select); coding-DNA position 1941, G replaced by A.
Protein change: p.Thr647=; no amino-acid change (threonine 647 retained).
Molecular consequence: synonymous variant.
Genome position (GRCh38, 1-based): chr18:75,287,348, G>A. VCF-style: chr18-75287348-G-A. GRCh37 (hg19) VCF-style: chr18-72999303-G-A.
Other names: c.1806G>A, p.Thr602= (NM_005786.6).
Identifiers: ClinVar variation 3034872 (VCV003034872.3), dbSNP rs141313878, ClinGen allele CA9002169.

ClinVar aggregate classification (germline): Likely benign. Review status: criteria provided, single submitter (1 of 4 stars). 2 submissions from 2 submitters: Likely benign (1). 1 of the submissions does not count toward it. Last evaluated 2024-10-18.

Conditions:
TSHZ1-related disorder. Also called: TSHZ1-related condition.

Allele frequency attached by ClinVar (database versions not stated): gnomAD exomes 0.00018 and 0.00022; ExAC 0.00024; 1000 Genomes Project 30x 0.00047; 1000 Genomes Project 0.00060; ESP Exome Variant Server 0.00062; gnomAD 0.00080 and 0.00082; TOPMed 0.00093 and 0.00099.
gnomAD v4.1: 388 of 1,614,092 alleles (0.024%); highest among the groups gnomAD compares: African/African-American, 0.28%; 1 homozygote.

Submissions (2):

Blueprint Genetics
Classification: Likely benign. Last evaluated: 2024-10-18. Review status: criteria provided, single submitter. Criteria: ACMG Guidelines, 2015. Collection method: clinical testing. Allele origin: germline.

PreventionGenetics, part of Exact Sciences
Classification: Likely benign for TSHZ1-related condition. Last evaluated: 2024-02-02. Review status: no assertion criteria provided. Collection method: clinical testing. Allele origin: germline. Not counted in ClinVar's aggregate classification.
Comment: This variant is classified as likely benign based on ACMG/AMP sequence variant interpretation guidelines (Richards et al. 2015 PMID: 25741868, with internal and published modifications).